The following is an entry in ClinVar:

ClinVar aggregate classification (germline): Uncertain significance (1 of 4 stars; one submission).

Submission:

CeGaT Center for Human Genetics Tuebingen
Classification: Uncertain significance. Last evaluated: 2025-05-01. Review status: criteria provided, single submitter. Criteria: CeGaT Center For Human Genetics Tuebingen Variant Classification Criteria Version 2. Collection method: clinical testing. Allele origin: germline. Affected: yes. Observed: 1 variant allele.
Comment: GRIA2: PM2, PP3

NM_001083619.3(GRIA2):c.253G>C (p.Val85Leu)

Gene: GRIA2 (glutamate ionotropic receptor AMPA type subunit 2; plus strand). Cytogenetic location: 4q32.1.
Variant type: single nucleotide variant.
Coding change: c.253G>C on transcript NM_001083619.3 (MANE Select); coding-DNA position 253, G replaced by C.
Protein change: p.Val85Leu; replaces valine 85 with leucine.
Molecular consequence: missense variant.
Genome position (GRCh38, 1-based): chr4:157,303,575, G>C. VCF-style: chr4-157303575-G-C. GRCh37 (hg19) VCF-style: chr4-158224727-G-C.
Other names: c.253G>C, p.Val85Leu (NM_000826.6); c.112G>C, p.Val38Leu (NM_001083620.3, NM_001379000.3, NM_001379001.3); short protein forms V38L, V85L.
Identifiers: ClinVar variation 3905907 (VCV003905907.10).